The following is an entry in ClinVar:

ClinVar aggregate classification (germline): Uncertain significance (1 of 4 stars; one submission).

Conditions:
Combined immunodeficiency due to LRBA deficiency. Also called: Common variable immunodeficiency 8, with autoimmunity. Identifiers: Orphanet 445018, MedGen C3553512, MONDO:0013863, OMIM 614700.

gnomAD v4.1: 1 of 1,608,500 alleles (0.000062%); no homozygotes.

Submission:

Labcorp Genetics (formerly Invitae), Labcorp
Classification: Uncertain significance for Combined immunodeficiency due to LRBA deficiency. Last evaluated: 2021-10-03. Review status: criteria provided, single submitter. Criteria: Invitae Variant Classification Sherloc (09022015). Collection method: clinical testing. Allele origin: germline.
Comment: Algorithms developed to predict the effect of missense changes on protein structure and function (SIFT, PolyPhen-2, Align-GVGD) all suggest that this variant is likely to be tolerated. In summary, the available evidence is currently insufficient to determine the role of this variant in disease. Therefore, it has been classified as a Variant of Uncertain Significance. This variant has not been reported in the literature in individuals affected with LRBA-related conditions. This variant is not present in population databases (ExAC no frequency). This sequence change replaces asparagine with aspartic acid at codon 2552 of the LRBA protein (p.Asn2552Asp). The asparagine residue is weakly conserved and there is a small physicochemical difference between asparagine and aspartic acid.

NM_001364905.1(LRBA):c.7621A>G (p.Asn2541Asp)

Gene: LRBA (LPS responsive beige-like anchor protein; minus strand). Cytogenetic location: 4q31.3.
Variant type: single nucleotide variant.
Coding change: c.7621A>G on transcript NM_001364905.1 (MANE Select); coding-DNA position 7621, A replaced by G.
Protein change: p.Asn2541Asp; replaces asparagine 2541 with aspartic acid.
Molecular consequence: missense variant.
Genome position (GRCh38, 1-based): chr4:150,321,200, T>C on the plus strand (A>G on the coding strand, the complement: LRBA is on the minus strand). VCF-style: chr4-150321200-T-C. GRCh37 (hg19) VCF-style: chr4-151242352-T-C.
Other names: c.7621A>G, p.Asn2541Asp (NM_001199282.3); c.7636A>G, p.Asn2546Asp (NM_001367550.1); c.7654A>G, p.Asn2552Asp (NM_006726.5); short protein forms N2541D, N2552D, N2546D.
Identifiers: ClinVar variation 1478803 (VCV001478803.6), dbSNP rs2126925010, ClinGen allele CA358600597.